The following is an entry in ClinVar:

NM_000158.4(GBE1):c.583C>T (p.Arg195Trp)

Gene: GBE1 (1,4-alpha-glucan branching enzyme 1; minus strand). Cytogenetic location: 3p12.2.
Variant type: single nucleotide variant.
Coding change: c.583C>T on transcript NM_000158.4 (MANE Select); coding-DNA position 583, C replaced by T.
Protein change: p.Arg195Trp; replaces arginine 195 with tryptophan.
Molecular consequence: missense variant.
Genome position (GRCh38, 1-based): chr3:81,648,964, G>A on the plus strand (C>T on the coding strand, the complement: GBE1 is on the minus strand). VCF-style: chr3-81648964-G-A. GRCh37 (hg19) VCF-style: chr3-81698115-G-A.
Other names: short protein forms R195W.
Identifiers: ClinVar variation 1438070 (VCV001438070.4), dbSNP rs371086146, ClinGen allele CA2499911.

ClinVar aggregate classification (germline): Uncertain significance (1 of 4 stars; one submission).

Conditions:
Glycogen storage disease IV, classic hepatic. Also called: GSD IV, CLASSIC HEPATIC. Identifiers: MedGen C1856301.
Glycogen storage disease, type IV (GSD4). Also called: AMYLOPECTINOSIS; ANDERSEN DISEASE; BRANCHER DEFICIENCY; CIRRHOSIS, FAMILIAL, WITH DEPOSITION OF ABNORMAL GLYCOGEN; Glycogen storage disease due to glycogen branching enzyme deficiency; GBE1 DEFICIENCY. Identifiers: Orphanet 367, MedGen C0017923, MONDO:0009292, OMIM 232500.

Allele frequency attached by ClinVar (database versions not stated): gnomAD 0.00002 and 0.00003; gnomAD exomes 0.00003; ExAC 0.00004; ESP Exome Variant Server 0.00009.
gnomAD v4.1: 46 of 1,585,734 alleles (0.0029%); highest among the groups gnomAD compares: South Asian, 0.0058%; no homozygotes.

Submission:

Labcorp Genetics (formerly Invitae), Labcorp
Classification: Uncertain significance for Glycogen storage disease, type IV; Glycogen storage disease IV, classic hepatic. Last evaluated: 2025-03-31. Review status: criteria provided, single submitter. Criteria: Invitae Variant Classification Sherloc (09022015). Collection method: clinical testing. Allele origin: germline.
Comment: This sequence change replaces arginine, which is basic and polar, with tryptophan, which is neutral and slightly polar, at codon 195 of the GBE1 protein (p.Arg195Trp). The frequency data for this variant in the population databases is considered unreliable, as metrics indicate poor data quality at this position in the gnomAD database. This variant has not been reported in the literature in individuals affected with GBE1-related conditions. ClinVar contains an entry for this variant (Variation ID: 1438070). Invitae Evidence Modeling of protein sequence and biophysical properties (such as structural, functional, and spatial information, amino acid conservation, physicochemical variation, residue mobility, and thermodynamic stability) indicates that this missense variant is not expected to disrupt GBE1 protein function with a negative predictive value of 95%. In summary, the available evidence is currently insufficient to determine the role of this variant in disease. Therefore, it has been classified as a Variant of Uncertain Significance.